The following is an entry in ClinVar:

NM_015512.5(DNAH1):c.7799C>T (p.Ser2600Leu)

Gene: DNAH1 (dynein axonemal heavy chain 1; plus strand). Cytogenetic location: 3p21.1.
Variant type: single nucleotide variant.
Coding change: c.7799C>T on transcript NM_015512.5 (MANE Select); coding-DNA position 7799, C replaced by T.
Protein change: p.Ser2600Leu; replaces serine 2600 with leucine.
Molecular consequence: missense variant.
Genome position (GRCh38, 1-based): chr3:52,381,830, C>T. VCF-style: chr3-52381830-C-T. GRCh37 (hg19) VCF-style: chr3-52415846-C-T.
Other names: short protein forms S2600L.
Identifiers: ClinVar variation 2164950 (VCV002164950.3), dbSNP rs772867114, ClinGen allele CA2434972.

ClinVar aggregate classification (germline): Uncertain significance (1 of 4 stars; one submission).

Conditions:
Spermatogenic failure 18. Identifiers: MedGen C4539783, MONDO:0054615, OMIM 617576.
Ciliary dyskinesia, primary, 37 (CILD37). Also called: CILIARY DYSKINESIA, PRIMARY, 37, WITH OR WITHOUT SITUS INVERSUS. Identifiers: MedGen C4539798, MONDO:0033204, OMIM 617577.

Allele frequency attached by ClinVar (database versions not stated): gnomAD exomes 0.00001; TOPMed 0.00001; ExAC 0.00002; gnomAD 0.00002.
gnomAD v4.1: 6 of 1,592,870 alleles (0.00038%); highest among the groups gnomAD compares: Admixed American, 0.0035%; no homozygotes.

Submission:

Labcorp Genetics (formerly Invitae), Labcorp
Classification: Uncertain significance for Ciliary dyskinesia, primary, 37; Spermatogenic failure 18. Last evaluated: 2022-07-03. Review status: criteria provided, single submitter. Criteria: Invitae Variant Classification Sherloc (09022015). Collection method: clinical testing. Allele origin: germline.
Comment: This sequence change replaces serine, which is neutral and polar, with leucine, which is neutral and non-polar, at codon 2600 of the DNAH1 protein (p.Ser2600Leu). The frequency data for this variant in the population databases is considered unreliable, as metrics indicate poor data quality at this position in the gnomAD database. This variant has not been reported in the literature in individuals affected with DNAH1-related conditions. Algorithms developed to predict the effect of missense changes on protein structure and function are either unavailable or do not agree on the potential impact of this missense change (SIFT: "Deleterious"; PolyPhen-2: "Benign"; Align-GVGD: "Class C0"). In summary, the available evidence is currently insufficient to determine the role of this variant in disease. Therefore, it has been classified as a Variant of Uncertain Significance.